The following is an entry in ClinVar:

ClinVar aggregate classification (germline): Uncertain significance (1 of 4 stars; one submission).

Allele frequency attached by ClinVar (database versions not stated): gnomAD 0.00001.
gnomAD v4.1: 7 of 1,613,384 alleles (0.00043%); highest among the groups gnomAD compares: Admixed American, 0.005%; no homozygotes.

Submission:

Labcorp Genetics (formerly Invitae), Labcorp
Classification: Uncertain significance. Last evaluated: 2022-06-11. Review status: criteria provided, single submitter. Criteria: Invitae Variant Classification Sherloc (09022015). Collection method: clinical testing. Allele origin: germline.
Comment: This sequence change replaces proline, which is neutral and non-polar, with serine, which is neutral and polar, at codon 476 of the COL9A3 protein (p.Pro476Ser). This variant is present in population databases (no rsID available, gnomAD 0.003%). This variant has not been reported in the literature in individuals affected with COL9A3-related conditions. Advanced modeling of protein sequence and biophysical properties (such as structural, functional, and spatial information, amino acid conservation, physicochemical variation, residue mobility, and thermodynamic stability) performed at Invitae indicates that this missense variant is not expected to disrupt COL9A3 protein function. In summary, the available evidence is currently insufficient to determine the role of this variant in disease. Therefore, it has been classified as a Variant of Uncertain Significance.

NM_001853.4(COL9A3):c.1426C>T (p.Pro476Ser)

Genes: COL9A3 (collagen type IX alpha 3 chain; plus strand), LOC126863084 (MED14-independent group 3 enhancer GRCh37_chr20:61467141-61468340; plus strand). Cytogenetic location: 20q13.33.
Variant type: single nucleotide variant.
Coding change: c.1426C>T on transcript NM_001853.4 (MANE Select); coding-DNA position 1426, C replaced by T.
Protein change: p.Pro476Ser; replaces proline 476 with serine.
Molecular consequence: missense variant.
Genome position (GRCh38, 1-based): chr20:62,836,211, C>T. VCF-style: chr20-62836211-C-T. GRCh37 (hg19) VCF-style: chr20-61467563-C-T.
Other names: short protein forms P476S.
Identifiers: ClinVar variation 1934085 (VCV001934085.5), dbSNP rs747241280, ClinGen allele CA409596984.